The following is an entry in ClinVar:

ClinVar aggregate classification (germline): Likely benign (0 of 4 stars; one submission).

Conditions:
THBS2-related disorder. Also called: THBS2-related condition.

Allele frequency attached by ClinVar (database versions not stated): ExAC 0.00003; gnomAD exomes 0.00003; TOPMed 0.00003; gnomAD 0.00004.
gnomAD v4.1: 45 of 1,613,194 alleles (0.0028%); highest among the groups gnomAD compares: Middle Eastern, 0.049%; no homozygotes.

Submission:

PreventionGenetics, part of Exact Sciences
Classification: Likely benign for THBS2-related condition. Last evaluated: 2019-04-01. Review status: no assertion criteria provided. Collection method: clinical testing. Allele origin: germline.
Comment: This variant is classified as likely benign based on ACMG/AMP sequence variant interpretation guidelines (Richards et al. 2015 PMID: 25741868, with internal and published modifications).

NM_003247.5(THBS2):c.3183C>T (p.Ser1061=)

Genes: THBS2 (thrombospondin 2; minus strand), THBS2-AS1 (THBS2 antisense RNA 1; plus strand). Cytogenetic location: 6q27.
Variant type: single nucleotide variant.
Coding change: c.3183C>T on transcript NM_003247.5 (MANE Select); coding-DNA position 3183, C replaced by T.
Protein change: p.Ser1061=; no amino-acid change (serine 1061 retained).
Molecular consequence: synonymous variant. On other transcripts: non-coding transcript variant (2).
Genome position (GRCh38, 1-based): chr6:169,222,287, G>A on the plus strand (C>T on the coding strand, the complement: THBS2 is on the minus strand). VCF-style: chr6-169222287-G-A. GRCh37 (hg19) VCF-style: chr6-169622382-G-A.
Other names: c.3009C>T, p.Ser1003= (NM_001381939.1); c.2952C>T, p.Ser984= (NM_001381942.1).
Identifiers: ClinVar variation 3058815 (VCV003058815.2), dbSNP rs767991056, ClinGen allele CA4102757.
Genomic context (GRCh38, chr6:169,222,287, plus strand): 5'-CGCGTTCCTCAGGTGCTCGCCCGTCCCCGTGGTGGAGTTCACCACCTTGAGGGACACGCC[G>A]GAGTAGCCATAGGCCCGCGTGGGCTGGTCCTCCCAGTAGGTCTGCGTCACCTGCTTCCAC-3'
Protein context (NP_003238.2, residues 1051-1071): EDQPTRAYGY[Ser1061=]GVSLKVVNST